The following is an entry in ClinVar:

ClinVar aggregate classification (germline): Uncertain significance (1 of 4 stars; one submission).

Conditions:
Hereditary cancer-predisposing syndrome. Also called: Tumor predisposition; Hereditary Cancer Syndrome; Hereditary neoplastic syndrome; Neoplastic Syndromes, Hereditary. Identifiers: Orphanet 140162, MedGen C0027672, MeSH D009386, MONDO:0015356.

Submission:

Ambry Genetics
Classification: Uncertain significance for Hereditary cancer-predisposing syndrome. Last evaluated: 2026-03-09. Review status: criteria provided, single submitter. Criteria: Ambry Variant Classification Scheme 2023. Collection method: clinical testing. Allele origin: germline.
Comment: The c.4231dupA variant, located in coding exon 33 of the POLE gene, results from a duplication of A at nucleotide position 4231, causing a translational frameshift with a predicted alternate stop codon (p.I1411Nfs*7). This alteration is expected to result in loss of function by premature protein truncation or nonsense-mediated mRNA decay. Although biallelic loss of function of POLE has been associated with autosomal recessive POLE deficiency, haploinsufficiency of POLE has not been established as a mechanism of disease for POLE-related polymerase proofreading-associated polyposis (PPAP) and POLE-related CMMRD-like syndrome. Based on the supporting evidence, this variant is expected to be causative of POLE deficiency when present along with a second pathogenic variant on the other allele; however, its clinical significance for PPAP and POLE-related CMMRD-like syndrome is unclear.

NM_006231.4(POLE):c.4231dup (p.Ile1411fs)

Gene: POLE (DNA polymerase epsilon, catalytic subunit; minus strand). Cytogenetic location: 12q24.33.
Variant type: Duplication.
Coding change: c.4231dup on transcript NM_006231.4 (MANE Select); coding-DNA position 4231, one base duplicated (A; older notation c.4231dupA).
Protein change: p.Ile1411fs; shifts the reading frame from isoleucine 1411.
Molecular consequence: frameshift variant.
Genome position (GRCh38, 1-based): chr12:132,643,896, T duplicated on the plus strand (A on the coding strand, the reverse complement: POLE is on the minus strand). VCF-style (leftmost placement, unchanged base first): chr12-132643895-A-AT. GRCh37 (hg19) VCF-style: chr12-133220481-A-AT.
Other names: short protein forms I1411fs.
Identifiers: ClinVar variation 1738918 (VCV001738918.3), dbSNP rs2541901222, ClinGen allele CA2580086126.